The following is an entry in ClinVar:

ClinVar aggregate classification (germline): Uncertain significance (1 of 4 stars; one submission).

Allele frequency attached by ClinVar (database versions not stated): ExAC 0.00001; gnomAD 0.00001; gnomAD exomes 0.00001; TOPMed 0.00002; ESP Exome Variant Server 0.00008.
gnomAD v4.1: 20 of 1,612,804 alleles (0.0012%); highest among the groups gnomAD compares: South Asian, 0.0044%; 1 homozygote.

Submission:

Labcorp Genetics (formerly Invitae), Labcorp
Classification: Uncertain significance. Last evaluated: 2025-11-15. Review status: criteria provided, single submitter. Criteria: Invitae Variant Classification Sherloc (09022015). Collection method: clinical testing. Allele origin: germline.
Comment: This sequence change replaces valine, which is neutral and non-polar, with methionine, which is neutral and non-polar, at codon 751 of the PITPNM3 protein (p.Val751Met). This variant is present in population databases (rs376842248, gnomAD 0.007%). This variant has not been reported in the literature in individuals affected with PITPNM3-related conditions. ClinVar contains an entry for this variant (Variation ID: 1379376). Invitae Evidence Modeling of protein sequence and biophysical properties (such as structural, functional, and spatial information, amino acid conservation, physicochemical variation, residue mobility, and thermodynamic stability) indicates that this missense variant is not expected to disrupt PITPNM3 protein function with a negative predictive value of 80%. In summary, the available evidence is currently insufficient to determine the role of this variant in disease. Therefore, it has been classified as a Variant of Uncertain Significance.

NM_031220.4(PITPNM3):c.2251G>A (p.Val751Met)

Gene: PITPNM3 (PITPNM family member 3; minus strand). Cytogenetic location: 17p13.2.
Variant type: single nucleotide variant.
Coding change: c.2251G>A on transcript NM_031220.4 (MANE Select); coding-DNA position 2251, G replaced by A.
Protein change: p.Val751Met; replaces valine 751 with methionine.
Molecular consequence: missense variant.
Genome position (GRCh38, 1-based): chr17:6,463,787, C>T on the plus strand (G>A on the coding strand, the complement: PITPNM3 is on the minus strand). VCF-style: chr17-6463787-C-T. GRCh37 (hg19) VCF-style: chr17-6367107-C-T.
Other names: c.2143G>A, p.Val715Met (NM_001165966.2); short protein forms V751M, V715M.
Identifiers: ClinVar variation 1379376 (VCV001379376.6), dbSNP rs376842248, ClinGen allele CA8329234.